The following is an entry in ClinVar:

NM_006019.4(TCIRG1):c.239C>T (p.Pro80Leu)

Gene: TCIRG1 (T cell immune regulator 1, ATPase H+ transporting V0 subunit a3; plus strand). Cytogenetic location: 11q13.2.
Variant type: single nucleotide variant.
Coding change: c.239C>T on transcript NM_006019.4 (MANE Select); coding-DNA position 239, C replaced by T.
Protein change: p.Pro80Leu; replaces proline 80 with leucine.
Molecular consequence: missense variant. On other transcripts: 5 prime UTR variant (1).
Genome position (GRCh38, 1-based): chr11:68,042,685, C>T. VCF-style: chr11-68042685-C-T. GRCh37 (hg19) VCF-style: chr11-67810152-C-T.
Other names: c.-1011C>T (NM_001351059.2); short protein forms P80L.
Identifiers: ClinVar variation 2417547 (VCV002417547.5), dbSNP rs745676260, ClinGen allele CA6146688.

ClinVar aggregate classification (germline): Uncertain significance (1 of 4 stars; one submission).

Allele frequency attached by ClinVar (database versions not stated): gnomAD 0.00001; gnomAD exomes 0.00003; ExAC 0.00026.
gnomAD v4.1: 39 of 1,546,422 alleles (0.0025%); highest among the groups gnomAD compares: South Asian, 0.045%; no homozygotes.

Submission:

Labcorp Genetics (formerly Invitae), Labcorp
Classification: Uncertain significance. Last evaluated: 2025-09-26. Review status: criteria provided, single submitter. Criteria: Invitae Variant Classification Sherloc (09022015). Collection method: clinical testing. Allele origin: germline.
Comment: This sequence change replaces proline, which is neutral and non-polar, with leucine, which is neutral and non-polar, at codon 80 of the TCIRG1 protein (p.Pro80Leu). This variant is present in population databases (rs745676260, gnomAD 0.06%). This variant has not been reported in the literature in individuals affected with TCIRG1-related conditions. ClinVar contains an entry for this variant (Variation ID: 2417547). An algorithm developed to predict the effect of missense changes on protein structure and function (PolyPhen-2) suggests that this variant is likely to be tolerated. In summary, the available evidence is currently insufficient to determine the role of this variant in disease. Therefore, it has been classified as a Variant of Uncertain Significance.